The following is an entry in ClinVar:

NM_000458.4(HNF1B):c.345-218C>T

Gene: HNF1B (HNF1 homeobox B; minus strand). Cytogenetic location: 17q12.
Variant type: single nucleotide variant.
Coding change: c.345-218C>T on transcript NM_000458.4 (MANE Select); 218 bases into the intron before coding-DNA position 345, C replaced by T.
Molecular consequence: intron variant.
Genome position (GRCh38, 1-based): chr17:37,739,857, G>A on the plus strand (C>T on the coding strand, the complement: HNF1B is on the minus strand). VCF-style: chr17-37739857-G-A. GRCh37 (hg19) VCF-style: chr17-36099848-G-A.
Other names: c.345-218C>T (NM_001304286.2, NM_001165923.4, NM_001411100.1).
Identifiers: ClinVar variation 4526550 (VCV004526550.1).

ClinVar aggregate classification (germline): Uncertain significance (1 of 4 stars; one submission).

Conditions:
Renal cysts and diabetes syndrome (RCAD). Also called: MATURITY-ONSET DIABETES OF THE YOUNG, TYPE 5; Familial hypoplastic, glomerulocystic kidney. Identifiers: Orphanet 93111, MedGen C0431693, MONDO:0007669, OMIM 137920.

Submission:

MVZ Medizinische Genetik Mainz
Classification: Uncertain significance for Renal cysts and diabetes syndrome. Last evaluated: 2025-10-08. Review status: criteria provided, single submitter. Criteria: UK Practice Guidelines For Variant Classification V4 01 2020. Collection method: clinical testing. Allele origin: germline. Inheritance: Autosomal dominant inheritance. Affected: yes. Observed: 1 variant allele.
Comment: ACMG Criteria: PM2_SUP,PP4,BP4